The following is an entry in ClinVar:

NM_004360.5(CDH1):c.1190A>C (p.Lys397Thr)

Gene: CDH1 (cadherin 1; plus strand). Cytogenetic location: 16q22.1.
Variant type: single nucleotide variant.
Coding change: c.1190A>C on transcript NM_004360.5 (MANE Select); coding-DNA position 1190, A replaced by C.
Protein change: p.Lys397Thr; replaces lysine 397 with threonine.
Molecular consequence: missense variant. On other transcripts: 5 prime UTR variant (2), intron variant (1).
Genome position (GRCh38, 1-based): chr16:68,813,365, A>C. VCF-style: chr16-68813365-A-C. GRCh37 (hg19) VCF-style: chr16-68847268-A-C.
Other names: c.-426A>C (NM_001317185.2); c.-630A>C (NM_001317186.2); c.1137+1102A>C (NM_001317184.2); short protein forms K397T.
Identifiers: ClinVar variation 1720568 (VCV001720568.8), dbSNP rs2543926570, ClinGen allele CA396461241.

ClinVar aggregate classification (germline): Conflicting classifications of pathogenicity. Review status: criteria provided, conflicting classifications (1 of 4 stars). 2 submissions from 2 submitters: Uncertain significance (1); Likely benign (1). Last evaluated 2026-05-06.

Conditions:
Hereditary cancer-predisposing syndrome. Also called: Hereditary Cancer Syndrome; Neoplastic Syndromes, Hereditary; Hereditary neoplastic syndrome; Tumor predisposition. Identifiers: Orphanet 140162, MedGen C0027672, MeSH D009386, MONDO:0015356.
Hereditary diffuse gastric adenocarcinoma (HDGC). Also called: DIFFUSE GASTRIC AND LOBULAR BREAST CANCER SYNDROME. Identifiers: Orphanet 26106, MedGen C1708349, MONDO:0007648, OMIM 137215.

Submissions (2):

Ambry Genetics
Classification: Likely benign for Hereditary cancer-predisposing syndrome. Last evaluated: 2026-05-06. Review status: criteria provided, single submitter. Criteria: Ambry Variant Classification Scheme 2023. Collection method: clinical testing. Allele origin: germline.

Labcorp Genetics (formerly Invitae), Labcorp
Classification: Uncertain significance for Hereditary diffuse gastric adenocarcinoma. Last evaluated: 2022-09-28. Review status: criteria provided, single submitter. Criteria: Invitae Variant Classification Sherloc (09022015). Collection method: clinical testing. Allele origin: germline.
Comment: In summary, the available evidence is currently insufficient to determine the role of this variant in disease. Therefore, it has been classified as a Variant of Uncertain Significance. Algorithms developed to predict the effect of missense changes on protein structure and function output the following: SIFT: "Tolerated"; PolyPhen-2: "Benign"; Align-GVGD: "Class C0". The threonine amino acid residue is found in multiple mammalian species, which suggests that this missense change does not adversely affect protein function. This variant has not been reported in the literature in individuals affected with CDH1-related conditions. This variant is not present in population databases (gnomAD no frequency). This sequence change replaces lysine, which is basic and polar, with threonine, which is neutral and polar, at codon 397 of the CDH1 protein (p.Lys397Thr).